The following is an entry in ClinVar:

ClinVar aggregate classification (germline): Pathogenic/Likely pathogenic. Review status: criteria provided, multiple submitters, no conflicts (2 of 4 stars). 8 submissions from 7 submitters: Pathogenic (3); Likely pathogenic (1). 4 of the submissions do not count toward it. Last evaluated 2025-11-03.

Conditions:
RP2-related disorder. Also called: RP2-related condition.
Retinitis pigmentosa 2 (RP2). Also called: Retinitis pigmentosa 2, X linked. Identifiers: Orphanet 791, MedGen C2681923, MONDO:0010723, OMIM 312600.
Retinal dystrophy. Also called: Inherited retinal dystrophy. Identifiers: Orphanet 71862, MedGen C0854723, MeSH D058499, MONDO:0019118, HP:0000556.

Allele frequency attached by ClinVar (database versions not stated): gnomAD exomes below 0.00001.
gnomAD v4.1: 1 of 1,211,951 alleles (0.000083%); highest among the groups gnomAD compares: Non-Finnish European, 0.00011%; no homozygotes.

Submissions (8):

3billion
Classification: Pathogenic for Retinitis pigmentosa 2. Last evaluated: 2025-11-03. Review status: criteria provided, single submitter. Criteria: ACMG Guidelines, 2015. Collection method: clinical testing. Allele origin: germline. Affected: yes.
Comment: The variant is observed at an extremely low frequency in the gnomAD v4.1.0 dataset (total allele frequency: <0.001%). Predicted Consequence/Location: Missense variant. The majority of the known disease-causing variants of this gene are variants expected to result in premature termination of the protein. Functional studies provide strong evidence of the variant having a damaging effect on the gene or gene product (PMID: 21738648, 28209709). In silico tool predictions suggest damaging effect of the variant on gene or gene product [REVEL: 0.94 (>=0.6, sensitivity 0.68 and specificity 0.92); 3Cnet: 0.97 (> 0.75, sensitivity 0.96 and precision 0.92)]. The same nucleotide change resulting in the same amino acid change has been previously reported as pathogenic/likely pathogenic with strong evidence (ClinVar ID: VCV000010546 /PMID: 9697692 /3billion dataset). Different missense changes at the same codon (p.Arg118Cys, p.Arg118Gly, p.Arg118Leu) have been reported as pathogenic/likely pathogenic with strong evidence (ClinVar ID: VCV000010549, VCV000437944, VCV000636097 /PMID: 11462235, 12657579, 17724181 /3billion dataset). Therefore, this variant is classified as Pathogenic according to the recommendation of ACMG/AMP guideline.

Labcorp Genetics (formerly Invitae), Labcorp
Classification: Pathogenic. Last evaluated: 2025-10-15. Review status: criteria provided, single submitter. Criteria: Invitae Variant Classification Sherloc (09022015). Collection method: clinical testing. Allele origin: germline.
Comment: This sequence change replaces arginine, which is basic and polar, with histidine, which is basic and polar, at codon 118 of the RP2 protein (p.Arg118His). This variant is not present in population databases (gnomAD no frequency). This missense change has been observed in individuals with retinitis pigmentosa (PMID: 9697692, 10090907, 10520237, 12657579, 20021257). It has also been observed to segregate with disease in related individuals. ClinVar contains an entry for this variant (Variation ID: 10546). Invitae Evidence Modeling of protein sequence and biophysical properties (such as structural, functional, and spatial information, amino acid conservation, physicochemical variation, residue mobility, and thermodynamic stability) has been performed for this missense variant. However, the output from this modeling did not meet the statistical confidence thresholds required to predict the impact of this variant on RP2 protein function. Experimental studies have shown that this missense change affects RP2 function (PMID: 10942419, 16472755, 18376416, 21738648, 22072390, 28209709). For these reasons, this variant has been classified as Pathogenic.

Dept Of Ophthalmology, Nagoya University
Classification: Likely pathogenic for Retinal dystrophy. Last evaluated: 2023-10-01. Review status: criteria provided, single submitter. Criteria: Submitter's publication. Collection method: research. Allele origin: germline. Affected: yes.

Blueprint Genetics
Classification: Pathogenic for RP2-related disorders. Last evaluated: 2022-02-08. Review status: criteria provided, single submitter. Criteria: ACMG Guidelines, 2015. Collection method: clinical testing. Allele origin: germline. Affected: yes. Observed: 4 variant alleles.

Joint Genome Diagnostic Labs from Nijmegen and Maastricht, Radboudumc and MUMC+
Classification: Pathogenic for Retinitis pigmentosa 2. Last evaluated: 2016-09-01. Review status: no assertion criteria provided. Collection method: clinical testing. Allele origin: inherited. Affected: yes. Observed: 1 variant allele. Not counted in ClinVar's aggregate classification.

OMIM
Classification: Pathogenic for RETINITIS PIGMENTOSA 2. Last evaluated: 2000-08-01. Review status: no assertion criteria provided. Collection method: literature only. Allele origin: germline. Not counted in ClinVar's aggregate classification.

Clinical Genetics, Academic Medical Center
Classification: Pathogenic. Review status: no assertion criteria provided. Collection method: clinical testing. Allele origin: germline. Affected: yes. Study: VKGL Data-share Consensus. Not counted in ClinVar's aggregate classification.

Joint Genome Diagnostic Labs from Nijmegen and Maastricht, Radboudumc and MUMC+
Classification: Pathogenic. Review status: no assertion criteria provided. Collection method: clinical testing. Allele origin: germline. Affected: yes. Study: VKGL Data-share Consensus. Not counted in ClinVar's aggregate classification.

Literature cited by the submitters: PubMed 21738648 (cited by 3billion and Labcorp Genetics (formerly Invitae), Labcorp); PubMed 9697692 (cited by 3 submitters); PubMed 11462235 (cited by 3billion); PubMed 28209709 (cited by 3billion and Labcorp Genetics (formerly Invitae), Labcorp); PubMed 10090907 (cited by Labcorp Genetics (formerly Invitae), Labcorp); PubMed 10520237 (cited by Labcorp Genetics (formerly Invitae), Labcorp); PubMed 12657579 (cited by Labcorp Genetics (formerly Invitae), Labcorp); PubMed 20021257 (cited by Labcorp Genetics (formerly Invitae), Labcorp); PubMed 10942419 (cited by Labcorp Genetics (formerly Invitae), Labcorp); PubMed 16472755 (cited by Labcorp Genetics (formerly Invitae), Labcorp); PubMed 18376416 (cited by Labcorp Genetics (formerly Invitae), Labcorp); PubMed 22072390 (cited by Labcorp Genetics (formerly Invitae), Labcorp); PubMed 10937588 (cited by OMIM).

NM_006915.3(RP2):c.353G>A (p.Arg118His)

Gene: RP2 (RP2 activator of ARL3 GTPase; plus strand). Cytogenetic location: Xp11.3.
Variant type: single nucleotide variant.
Coding change: c.353G>A on transcript NM_006915.3 (MANE Select); coding-DNA position 353, G replaced by A.
Protein change: p.Arg118His; replaces arginine 118 with histidine.
Molecular consequence: missense variant.
Genome position (GRCh38, 1-based): chrX:46,853,726, G>A. VCF-style: chrX-46853726-G-A. GRCh37 (hg19) VCF-style: chrX-46713161-G-A.
Other names: short protein forms R118H.
Identifiers: ClinVar variation 10546 (VCV000010546.18), dbSNP rs28933687, ClinGen allele CA255301.